The following is an entry in ClinVar:

ClinVar aggregate classification (germline): Likely benign (0 of 4 stars; one submission).

Conditions:
CYP2B6-related disorder. Also called: CYP2B6-related condition.

Allele frequency attached by ClinVar (database versions not stated): ExAC 0.00022; ESP Exome Variant Server 0.00023; 1000 Genomes Project 30x 0.00094; 1000 Genomes Project 0.00100.
gnomAD v4.1: 745 of 1,578,842 alleles (0.047%); highest among the groups gnomAD compares: Admixed American, 0.061%; 11 homozygotes.

Submission:

PreventionGenetics, part of Exact Sciences
Classification: Likely benign for CYP2B6-related condition. Last evaluated: 2020-08-14. Review status: no assertion criteria provided. Collection method: clinical testing. Allele origin: germline.
Comment: This variant is classified as likely benign based on ACMG/AMP sequence variant interpretation guidelines (Richards et al. 2015 PMID: 25741868, with internal and published modifications).

NM_000767.5(CYP2B6):c.795C>T (p.Ile265=)

Gene: CYP2B6 (cytochrome P450 family 2 subfamily B member 6; plus strand). Cytogenetic location: 19q13.2.
Variant type: single nucleotide variant.
Coding change: c.795C>T on transcript NM_000767.5 (MANE Select); coding-DNA position 795, C replaced by T.
Protein change: p.Ile265=; no amino-acid change (isoleucine 265 retained).
Molecular consequence: synonymous variant.
Genome position (GRCh38, 1-based): chr19:41,009,368, C>T. VCF-style: chr19-41009368-C-T. GRCh37 (hg19) VCF-style: chr19-41515273-C-T.
Identifiers: ClinVar variation 3048024 (VCV003048024.2), dbSNP rs189970623, ClinGen allele CA9455336.